The following is an entry in ClinVar:

ClinVar aggregate classification (germline): Uncertain significance. Review status: criteria provided, multiple submitters, no conflicts (2 of 4 stars). 2 submissions from 2 submitters: Uncertain significance (2). Last evaluated 2022-12-27.

Conditions:
Inborn genetic diseases. Identifiers: MedGen C0950123, MeSH D030342.

Allele frequency attached by ClinVar (database versions not stated): gnomAD exomes below 0.00001 and 0.00001; gnomAD 0.00001.
gnomAD v4.1: 12 of 1,613,492 alleles (0.00074%); highest among the groups gnomAD compares: Non-Finnish European, 0.00093%; no homozygotes.

Submissions (2):

Ambry Genetics
Classification: Uncertain significance for Inborn genetic diseases. Last evaluated: 2022-12-27. Review status: criteria provided, single submitter. Criteria: Ambry Variant Classification Scheme 2023. Collection method: clinical testing. Allele origin: germline.

Labcorp Genetics (formerly Invitae), Labcorp
Classification: Uncertain significance. Last evaluated: 2022-07-19. Review status: criteria provided, single submitter. Criteria: Invitae Variant Classification Sherloc (09022015). Collection method: clinical testing. Allele origin: germline.
Comment: This sequence change replaces valine, which is neutral and non-polar, with isoleucine, which is neutral and non-polar, at codon 768 of the MPDZ protein (p.Val768Ile). This variant is present in population databases (no rsID available, gnomAD 0.002%). In summary, the available evidence is currently insufficient to determine the role of this variant in disease. Therefore, it has been classified as a Variant of Uncertain Significance. Algorithms developed to predict the effect of missense changes on protein structure and function (SIFT, PolyPhen-2, Align-GVGD) all suggest that this variant is likely to be disruptive. ClinVar contains an entry for this variant (Variation ID: 1503394). This variant has not been reported in the literature in individuals affected with MPDZ-related conditions.

NM_001378778.1(MPDZ):c.2302G>A (p.Val768Ile)

Gene: MPDZ (multiple PDZ domain crumbs cell polarity complex component; minus strand). Cytogenetic location: 9p23.
Variant type: single nucleotide variant.
Coding change: c.2302G>A on transcript NM_001378778.1 (MANE Select); coding-DNA position 2302, G replaced by A.
Protein change: p.Val768Ile; replaces valine 768 with isoleucine.
Molecular consequence: missense variant.
Genome position (GRCh38, 1-based): chr9:13,188,846, C>T on the plus strand (G>A on the coding strand, the complement: MPDZ is on the minus strand). VCF-style: chr9-13188846-C-T. GRCh37 (hg19) VCF-style: chr9-13188845-C-T.
Other names: c.2302G>A (NM_003829.3); c.2302G>A, p.Val768Ile (NM_001261406.2, NM_001261407.2, NM_001330637.2 and 14 more transcripts); short protein forms V768I.
Identifiers: ClinVar variation 1503394 (VCV001503394.9), dbSNP rs1422353274, ClinGen allele CA372937376.